The following is an entry in ClinVar:

ClinVar aggregate classification (germline): Uncertain significance (1 of 4 stars; one submission).

Allele frequency attached by ClinVar (database versions not stated): gnomAD exomes below 0.00001 and 0.00002; ExAC 0.00001; gnomAD 0.00001; TOPMed 0.00003.

Submission:

Labcorp Genetics (formerly Invitae), Labcorp
Classification: Uncertain significance. Last evaluated: 2022-11-15. Review status: criteria provided, single submitter. Criteria: Invitae Variant Classification Sherloc (09022015). Collection method: clinical testing. Allele origin: germline.
Comment: In summary, the available evidence is currently insufficient to determine the role of this variant in disease. Therefore, it has been classified as a Variant of Uncertain Significance. Algorithms developed to predict the effect of missense changes on protein structure and function (SIFT, PolyPhen-2, Align-GVGD) all suggest that this variant is likely to be disruptive. ClinVar contains an entry for this variant (Variation ID: 1503363). This variant has not been reported in the literature in individuals affected with KIF11-related conditions. The frequency data for this variant in the population databases is considered unreliable, as metrics indicate poor data quality at this position in the gnomAD database. This sequence change replaces arginine, which is basic and polar, with tryptophan, which is neutral and slightly polar, at codon 33 of the KIF11 protein (p.Arg33Trp).

NM_004523.4(KIF11):c.97C>T (p.Arg33Trp)

Gene: KIF11 (kinesin family member 11; plus strand). Cytogenetic location: 10q23.33.
Variant type: single nucleotide variant.
Coding change: c.97C>T on transcript NM_004523.4 (MANE Select); coding-DNA position 97, C replaced by T.
Protein change: p.Arg33Trp; replaces arginine 33 with tryptophan.
Molecular consequence: missense variant.
Genome position (GRCh38, 1-based): chr10:92,606,284, C>T. VCF-style: chr10-92606284-C-T. GRCh37 (hg19) VCF-style: chr10-94366041-C-T.
Other names: short protein forms R33W.
Identifiers: ClinVar variation 1503363 (VCV001503363.6), dbSNP rs773934211, ClinGen allele CA5603905.
Genomic context (GRCh38, chr10:92,606,284, plus strand): 5'-ACTAAGAGCTCTTGAATGACTTTGTGTATTTCTTTTTATAGACCATTTAATTTGGCAGAG[C>T]GGAAAGCTAGCGCCCATTCAATAGTAGAATGTGATCCTGTACGAAAAGAAGTTAGTGTAC-3'
Protein context (NP_004514.2, residues 23-43): VRCRPFNLAE[Arg33Trp]KASAHSIVEC